The following is an entry in ClinVar:

ClinVar aggregate classification (germline): Benign. Review status: criteria provided, multiple submitters, no conflicts (2 of 4 stars). 5 submissions from 5 submitters: Benign (5). Last evaluated 2026-02-04.

Conditions:
T-cell immunodeficiency, congenital alopecia, and nail dystrophy. Also called: Congenital alopecia and nail dystrophy associated with severe functional T-cell immunodeficiency; Pignata Guarino syndrome. Identifiers: Orphanet 169095, MedGen C1866426, MONDO:0011132, OMIM 601705.

Allele frequency attached by ClinVar (database versions not stated): ExAC 0.38597; gnomAD exomes 0.38701; ESP Exome Variant Server 0.42065; gnomAD 0.42713 and 0.43360; 1000 Genomes Project 0.43071; 1000 Genomes Project 30x 0.43223; TOPMed 0.43630.

Submissions (5):

Labcorp Genetics (formerly Invitae), Labcorp
Classification: Benign for T-cell immunodeficiency, congenital alopecia, and nail dystrophy. Last evaluated: 2026-02-04. Review status: criteria provided, single submitter. Criteria: Invitae Variant Classification Sherloc (09022015). Collection method: clinical testing. Allele origin: germline.

Unidad de Genómica Garrahan, Hospital de Pediatría Garrahan
Classification: Benign. Last evaluated: 2024-01-24. Review status: criteria provided, single submitter. Criteria: ACMG Guidelines, 2015. Collection method: clinical testing. Allele origin: germline. Affected: no. Observed: 63 variant alleles.
Comment: This variant is classified as Benign based on local population frequency. This variant was detected in 66% of patients studied by a panel of primary immunodeficiencies. Number of patients: 63. Only high quality variants are reported.

Genome-Nilou Lab
Classification: Benign for T-cell immunodeficiency, congenital alopecia, and nail dystrophy. Last evaluated: 2021-08-10. Review status: criteria provided, single submitter. Criteria: ACMG Guidelines, 2015. Collection method: clinical testing. Allele origin: germline. Affected: no.

GeneDx
Classification: Benign. Last evaluated: 2015-10-29. Review status: criteria provided, single submitter. Criteria: GeneDx Variant Classification (06012015). Collection method: clinical testing. Allele origin: germline. Affected: yes.
Comment: This variant is considered likely benign or benign based on one or more of the following criteria: it is a conservative change, it occurs at a poorly conserved position in the protein, it is predicted to be benign by multiple in silico algorithms, and/or has population frequency not consistent with disease.

Breakthrough Genomics
Classification: Benign. Review status: criteria provided, single submitter. Criteria: ACMG Guidelines, 2015. Collection method: not provided. Allele origin: germline. Inheritance: Autosomal recessive inheritance. Affected: yes.

NM_001369369.1(FOXN1):c.830+19A>G

Gene: FOXN1 (forkhead box N1; plus strand). Cytogenetic location: 17q11.2.
Variant type: single nucleotide variant.
Coding change: c.830+19A>G on transcript NM_001369369.1 (MANE Select); 19 bases into the intron after coding-DNA position 830, A replaced by G.
Molecular consequence: intron variant.
Genome position (GRCh38, 1-based): chr17:28,529,243, A>G. VCF-style: chr17-28529243-A-G. GRCh37 (hg19) VCF-style: chr17-26856261-A-G.
Other names: c.830+19A>G (NM_003593.3).
Identifiers: ClinVar variation 379409 (VCV000379409.13), dbSNP rs548973, ClinGen allele CA8459359.